The following is an entry in ClinVar:

NM_004333.6(BRAF):c.981-2232A>T

Gene: BRAF (B-Raf proto-oncogene, serine/threonine kinase; minus strand). Cytogenetic location: 7q34.
Variant type: single nucleotide variant.
Coding change: c.981-2232A>T on transcript NM_004333.6 (MANE Select); 2232 bases into the intron before coding-DNA position 981, A replaced by T.
Molecular consequence: intron variant.
Genome position (GRCh38, 1-based): chr7:140,796,699, T>A on the plus strand (A>T on the coding strand, the complement: BRAF is on the minus strand). VCF-style: chr7-140796699-T-A. GRCh37 (hg19) VCF-style: chr7-140496499-T-A.
Other names: c.981-2232A>T (NM_001378474.1, NM_001378471.1, NM_001378468.1 and 4 more transcripts); c.879-2232A>T (NM_001378470.1); c.717-2232A>T (NM_001378475.1); c.990-2232A>T (NM_001378467.1); c.825-2232A>T (NM_001378472.1, NM_001378473.1).
Identifiers: ClinVar variation 1701538 (VCV001701538.31), dbSNP rs183923001, ClinGen allele CA168102593.

ClinVar aggregate classification (germline): Likely benign (1 of 4 stars; one submission).

Allele frequency attached by ClinVar (database versions not stated): gnomAD 0.00021 and 0.00024; TOPMed 0.00023; 1000 Genomes Project 0.00040; 1000 Genomes Project 30x 0.00078.
gnomAD v4.1: 37 of 152,284 alleles (0.024%); highest among the groups gnomAD compares: East Asian, 0.69%; no homozygotes.

Submission:

CeGaT Center for Human Genetics Tuebingen
Classification: Likely benign. Last evaluated: 2026-03-01. Review status: criteria provided, single submitter. Criteria: CeGaT Center For Human Genetics Tuebingen Variant Classification Criteria Version 2. Collection method: clinical testing. Allele origin: germline. Affected: yes. Observed: 2 variant alleles.
Comment: BRAF: BS1